The following is an entry in ClinVar:

NM_001114748.2(TMEM240):c.7A>G (p.Met3Val)

Gene: TMEM240 (transmembrane protein 240; minus strand). Cytogenetic location: 1p36.33.
Variant type: single nucleotide variant.
Coding change: c.7A>G on transcript NM_001114748.2 (MANE Select); coding-DNA position 7, A replaced by G.
Protein change: p.Met3Val; replaces methionine 3 with valine.
Molecular consequence: missense variant.
Genome position (GRCh38, 1-based): chr1:1,540,340, T>C on the plus strand (A>G on the coding strand, the complement: TMEM240 is on the minus strand). VCF-style: chr1-1540340-T-C. GRCh37 (hg19) VCF-style: chr1-1475720-T-C.
Other names: c.7A>G (NM_001114748.1); short protein forms M3V.
Identifiers: ClinVar variation 2901478 (VCV002901478.6), dbSNP rs1415311861, ClinGen allele CA337869719.

ClinVar aggregate classification (germline): Uncertain significance. Review status: criteria provided, multiple submitters, no conflicts (2 of 4 stars). 3 submissions from 3 submitters: Uncertain significance (3). Last evaluated 2024-10-08.

Conditions:
Inborn genetic diseases. Identifiers: MedGen C0950123, MeSH D030342.

Allele frequency attached by ClinVar (database versions not stated): gnomAD 0.00001; gnomAD exomes 0.00001; TOPMed 0.00003.

Submissions (3):

Ambry Genetics
Classification: Uncertain significance for Inborn genetic diseases. Last evaluated: 2024-10-08. Review status: criteria provided, single submitter. Criteria: Ambry Variant Classification Scheme 2023. Collection method: clinical testing. Allele origin: germline.

Women's Health and Genetics/Laboratory Corporation of America, LabCorp
Classification: Uncertain significance. Last evaluated: 2024-03-21. Review status: criteria provided, single submitter. Criteria: LabCorp Variant Classification Summary - May 2015. Collection method: clinical testing. Allele origin: germline.
Comment: Variant summary: TMEM240 c.7A>G (p.Met3Val) results in a conservative amino acid change in the encoded protein sequence. Three of five in-silico tools predict a damaging effect of the variant on protein function. The frequency data for this variant in gnomAD is considered unreliable, as metrics indicate poor data quality at this position. To our knowledge, no occurrence of c.7A>G in individuals affected with Spinocerebellar Ataxia Type 21 and no experimental evidence demonstrating its impact on protein function have been reported. ClinVar contains an entry for this variant (Variation ID: 2901478). Based on the evidence outlined above, the variant was classified as uncertain significance.

Labcorp Genetics (formerly Invitae), Labcorp
Classification: Uncertain significance. Last evaluated: 2023-05-22. Review status: criteria provided, single submitter. Criteria: Invitae Variant Classification Sherloc (09022015). Collection method: clinical testing. Allele origin: germline.
Comment: This variant is not present in population databases (gnomAD no frequency). This variant has not been reported in the literature in individuals affected with TMEM240-related conditions. An algorithm developed to predict the effect of missense changes on protein structure and function (PolyPhen-2) suggests that this variant is likely to be tolerated. In summary, the available evidence is currently insufficient to determine the role of this variant in disease. Therefore, it has been classified as a Variant of Uncertain Significance. This sequence change replaces methionine, which is neutral and non-polar, with valine, which is neutral and non-polar, at codon 3 of the TMEM240 protein (p.Met3Val).